The following is an entry in ClinVar:

ClinVar aggregate classification (germline): Uncertain significance (1 of 4 stars; one submission).

Allele frequency attached by ClinVar (database versions not stated): gnomAD exomes below 0.00001; ExAC 0.00001.
gnomAD v4.1: 7 of 1,614,216 alleles (0.00043%); highest among the groups gnomAD compares: Admixed American, 0.0017%; no homozygotes.

Submission:

Labcorp Genetics (formerly Invitae), Labcorp
Classification: Uncertain significance. Last evaluated: 2020-10-30. Review status: criteria provided, single submitter. Criteria: Invitae Variant Classification Sherloc (09022015). Collection method: clinical testing. Allele origin: germline.
Comment: In summary, the available evidence is currently insufficient to determine the role of this variant in disease. Therefore, it has been classified as a Variant of Uncertain Significance. Algorithms developed to predict the effect of missense changes on protein structure and function are either unavailable or do not agree on the potential impact of this missense change (SIFT: "Not Available"; PolyPhen-2: "Benign"; Align-GVGD: "Not Available"). This variant has not been reported in the literature in individuals with LCT-related conditions. This variant is present in population databases (rs777609672, ExAC 0.009%). This sequence change replaces threonine with methionine at codon 1208 of the LCT protein (p.Thr1208Met). The threonine residue is moderately conserved and there is a moderate physicochemical difference between threonine and methionine.

NM_002299.4(LCT):c.3623C>T (p.Thr1208Met)

Gene: LCT (lactase; minus strand). Cytogenetic location: 2q21.3.
Variant type: single nucleotide variant.
Coding change: c.3623C>T on transcript NM_002299.4 (MANE Select); coding-DNA position 3623, C replaced by T.
Protein change: p.Thr1208Met; replaces threonine 1208 with methionine.
Molecular consequence: missense variant.
Genome position (GRCh38, 1-based): chr2:135,808,724, G>A on the plus strand (C>T on the coding strand, the complement: LCT is on the minus strand). VCF-style: chr2-135808724-G-A. GRCh37 (hg19) VCF-style: chr2-136566294-G-A.
Other names: short protein forms T1208M.
Identifiers: ClinVar variation 1419538 (VCV001419538.4), dbSNP rs777609672, ClinGen allele CA1888029.